The following is an entry in ClinVar:

NM_017654.4(SAMD9):c.593A>G (p.Lys198Arg)

Gene: SAMD9 (sterile alpha motif domain containing 9; minus strand). Cytogenetic location: 7q21.2.
Variant type: single nucleotide variant.
Coding change: c.593A>G on transcript NM_017654.4 (MANE Select); coding-DNA position 593, A replaced by G.
Protein change: p.Lys198Arg; replaces lysine 198 with arginine.
Molecular consequence: missense variant.
Genome position (GRCh38, 1-based): chr7:93,105,505, T>C on the plus strand (A>G on the coding strand, the complement: SAMD9 is on the minus strand). VCF-style: chr7-93105505-T-C. GRCh37 (hg19) VCF-style: chr7-92734818-T-C.
Other names: c.593A>G, p.Lys198Arg (NM_001193307.2); short protein forms K198R.
Identifiers: ClinVar variation 4863877 (VCV004863877.1).

ClinVar aggregate classification (germline): Uncertain significance (1 of 4 stars; one submission).

Conditions:
Inborn genetic diseases. Identifiers: MedGen C0950123, MeSH D030342.

Submission:

Ambry Genetics
Classification: Uncertain significance for Inborn genetic diseases. Last evaluated: 2026-05-27. Review status: criteria provided, single submitter. Criteria: Ambry Variant Classification Scheme 2023. Collection method: clinical testing. Allele origin: germline.
Comment: The p.K198R variant (also known as c.593A>G), located in coding exon 1 of the SAMD9 gene, results from an A to G substitution at nucleotide position 593. The lysine at codon 198 is replaced by arginine, an amino acid with highly similar properties. This amino acid position is conserved. In addition, this alteration is predicted to be tolerated by in silico analysis. Based on the available evidence, the clinical significance of this variant remains unclear.